The following is an entry in ClinVar:

ClinVar aggregate classification (germline): Pathogenic. Review status: criteria provided, multiple submitters, no conflicts (2 of 4 stars). 2 submissions from 2 submitters: Pathogenic (2). Last evaluated 2024-01-18.

Conditions:
Tuberous sclerosis 1 (TSC1). Identifiers: Orphanet 805, MedGen C1854465, MONDO:0008612, OMIM 191100.

Submissions (2):

Labcorp Genetics (formerly Invitae), Labcorp
Classification: Pathogenic for Tuberous sclerosis 1. Last evaluated: 2024-01-18. Review status: criteria provided, single submitter. Criteria: Invitae Variant Classification Sherloc (09022015). Collection method: clinical testing. Allele origin: germline.
Comment: This sequence change creates a premature translational stop signal (p.Lys881*) in the TSC1 gene. It is expected to result in an absent or disrupted protein product. Loss-of-function variants in TSC1 are known to be pathogenic (PMID: 10227394, 17304050). This variant is not present in population databases (gnomAD no frequency). This variant has not been reported in the literature in individuals affected with TSC1-related conditions. ClinVar contains an entry for this variant (Variation ID: 378981). For these reasons, this variant has been classified as Pathogenic.

GeneDx
Classification: Pathogenic. Last evaluated: 2017-09-14. Review status: criteria provided, single submitter. Criteria: GeneDx Variant Classification (06012015). Collection method: clinical testing. Allele origin: germline. Affected: yes.
Comment: The K881X nonsense variant hasnot been published as a pathogenic variant, nor has it been reported as a benign variant to ourknowledge. It was not observed in approximately 6,500 individuals of European and African Americanancestry in the NHLBI Exome Sequencing Project, indicating it is not a common benign variant inthese populations. This variant is predicted to cause loss of normal protein function either throughprotein truncation or nonsense-mediated mRNA decay. Although this variant has not been reportedpreviously to our knowledge, other nonsense variants downstream of this position have been reportedin the Human Gene Mutation Database in association with tuberous sclerosis (Stenson et al., 2014).Therefore, we consider K881X to be a pathogenic variant.

Literature cited by the submitters: PubMed 10227394 (cited by Labcorp Genetics (formerly Invitae), Labcorp); PubMed 17304050 (cited by Labcorp Genetics (formerly Invitae), Labcorp).

NM_000368.5(TSC1):c.2641A>T (p.Lys881Ter)

Gene: TSC1 (TSC complex subunit 1; minus strand). Cytogenetic location: 9q34.13.
Variant type: single nucleotide variant.
Coding change: c.2641A>T on transcript NM_000368.5 (MANE Select); coding-DNA position 2641, A replaced by T.
Protein change: p.Lys881Ter; replaces lysine 881 with a stop codon.
Molecular consequence: nonsense.
Genome position (GRCh38, 1-based): chr9:132,897,595, T>A on the plus strand (A>T on the coding strand, the complement: TSC1 is on the minus strand). VCF-style: chr9-132897595-T-A. GRCh37 (hg19) VCF-style: chr9-135772982-T-A.
Other names: c.2638A>T, p.Lys880Ter (NM_001162426.2); c.2488A>T, p.Lys830Ter (NM_001162427.2); c.2278A>T, p.Lys760Ter (NM_001362177.2); short protein forms K881*, K830*, K760*, K880*.
Identifiers: ClinVar variation 378981 (VCV000378981.5), dbSNP rs1057520444, ClinGen allele CA16605392.